The following is an entry in ClinVar:

ClinVar aggregate classification (germline): Likely pathogenic (1 of 4 stars; one submission).

Allele frequency attached by ClinVar (database versions not stated): gnomAD exomes below 0.00001.
gnomAD v4.1: 2 of 1,609,622 alleles (0.00012%); highest among the groups gnomAD compares: Non-Finnish European, 0.00017%; no homozygotes.

Submission:

GeneDx
Classification: Likely pathogenic. Last evaluated: 2015-03-09. Review status: criteria provided, single submitter. Criteria: GeneDx Variant Classification (06012015). Collection method: clinical testing. Allele origin: germline. Affected: yes.
Comment: The R637X variant in the GUCY1A3 gene has not been reported previously as a pathogenic variantnor as a benign polymorphism, to our knowledge. This variant is predicted to cause loss of normal proteinfunction through protein truncation. The R637X variant was not observed in approximately 6500 individualsof European and African American ancestry in the NHLBI Exome Sequencing Project, indicating it is nota common benign variant in these populations. The R637X variant is a good candidate for a pathogenic variant, however the possibility it may be a rare benign variant cannot be excluded.

NM_001130682.3(GUCY1A1):c.1909C>T (p.Arg637Ter)

Gene: GUCY1A1 (guanylate cyclase 1 soluble subunit alpha 1; plus strand). Cytogenetic location: 4q32.1.
Variant type: single nucleotide variant.
Coding change: c.1909C>T on transcript NM_001130682.3 (MANE Select); coding-DNA position 1909, C replaced by T.
Protein change: p.Arg637Ter; replaces arginine 637 with a stop codon.
Molecular consequence: nonsense.
Genome position (GRCh38, 1-based): chr4:155,730,067, C>T. VCF-style: chr4-155730067-C-T. GRCh37 (hg19) VCF-style: chr4-156651219-C-T.
Other names: c.1909C>T, p.Arg637Ter (NM_000856.6, NM_001130683.4, NM_001130684.3 and 1 more transcripts); c.1204C>T, p.Arg402Ter (NM_001130685.3); short protein forms R637*, R402*.
Identifiers: ClinVar variation 372598 (VCV000372598.1), dbSNP rs919487431, ClinGen allele CA16042480.